The following is an entry in ClinVar:

ClinVar aggregate classification (germline): Uncertain significance (1 of 4 stars; one submission).

Submission:

Labcorp Genetics (formerly Invitae), Labcorp
Classification: Uncertain significance. Last evaluated: 2025-09-02. Review status: criteria provided, single submitter. Criteria: Invitae Variant Classification Sherloc (09022015). Collection method: clinical testing. Allele origin: germline.
Comment: This sequence change replaces valine, which is neutral and non-polar, with leucine, which is neutral and non-polar, at codon 24 of the PROSC protein (p.Val24Leu). This variant is not present in population databases (gnomAD no frequency). This variant has not been reported in the literature in individuals affected with PROSC-related conditions. ClinVar contains an entry for this variant (Variation ID: 2023101). Invitae Evidence Modeling of protein sequence and biophysical properties (such as structural, functional, and spatial information, amino acid conservation, physicochemical variation, residue mobility, and thermodynamic stability) indicates that this missense variant is not expected to disrupt PROSC protein function with a negative predictive value of 80%. In summary, the available evidence is currently insufficient to determine the role of this variant in disease. Therefore, it has been classified as a Variant of Uncertain Significance.

NM_007198.4(PLPBP):c.70G>T (p.Val24Leu)

Genes: PLPBP (pyridoxal phosphate binding protein; plus strand), LOC113788277 (Sharpr-MPRA regulatory region 13802; plus strand). Cytogenetic location: 8p11.23.
Variant type: single nucleotide variant.
Coding change: c.70G>T on transcript NM_007198.4 (MANE Select); coding-DNA position 70, G replaced by T.
Protein change: p.Val24Leu; replaces valine 24 with leucine.
Molecular consequence: missense variant. On other transcripts: intron variant (1).
Genome position (GRCh38, 1-based): chr8:37,762,729, G>T. VCF-style: chr8-37762729-G-T. GRCh37 (hg19) VCF-style: chr8-37620247-G-T.
Other names: c.70G>T, p.Val24Leu (NM_001349346.2, NM_001349347.2); c.175G>T, p.Val59Leu (NM_001349349.1); c.-58+29G>T (NM_001349348.2); short protein forms V24L, V59L.
Identifiers: ClinVar variation 2023101 (VCV002023101.2), dbSNP rs35423325, ClinGen allele CA370665855.